The following is an entry in ClinVar:

ClinVar aggregate classification (germline): Pathogenic (1 of 4 stars; one submission).

Conditions:
Glanzmann thrombasthenia. Also called: Glanzmann's thrombasthenia; BLEEDING DISORDER, PLATELET-TYPE, 2; THROMBASTHENIA OF GLANZMANN AND NAEGELI; Thrombasthenia; PLATELET GLYCOPROTEIN IIb-IIIa DEFICIENCY. Identifiers: Orphanet 849, MedGen C0040015, MONDO:0100326.

Allele frequency attached by ClinVar (database versions not stated): ExAC 0.00002; gnomAD 0.00003; TOPMed 0.00004.

Submission:

Labcorp Genetics (formerly Invitae), Labcorp
Classification: Pathogenic for Glanzmann thrombasthenia. Last evaluated: 2026-01-07. Review status: criteria provided, single submitter. Criteria: Invitae Variant Classification Sherloc (09022015). Collection method: clinical testing. Allele origin: germline.
Comment: This sequence change creates a premature translational stop signal (p.Ser764Alafs*62) in the ITGA2B gene. It is expected to result in an absent or disrupted protein product. Loss-of-function variants in ITGA2B are known to be pathogenic (PMID: 21917754). This variant is present in population databases (rs781357804, gnomAD 0.01%). This variant has not been reported in the literature in individuals affected with ITGA2B-related conditions. ClinVar contains an entry for this variant (Variation ID: 2723821). For these reasons, this variant has been classified as Pathogenic.

Literature cited by the submitters: PubMed 21917754.

NM_000419.5(ITGA2B):c.2290del (p.Ser764fs)

Gene: ITGA2B (integrin subunit alpha 2b; minus strand). Cytogenetic location: 17q21.31.
Variant type: Deletion.
Coding change: c.2290del on transcript NM_000419.5 (MANE Select); coding-DNA position 2290, one base deleted (A; older notation c.2290delA).
Protein change: p.Ser764fs; shifts the reading frame from serine 764.
Molecular consequence: frameshift variant.
Genome position (GRCh38, 1-based): chr17:44,376,366, T deleted on the plus strand (A on the coding strand, the reverse complement: ITGA2B is on the minus strand). VCF-style (leftmost placement, unchanged base first): chr17-44376365-CT-C. GRCh37 (hg19) VCF-style: chr17-42453733-CT-C.
Other names: short protein forms S764fs.
Identifiers: ClinVar variation 2723821 (VCV002723821.3), dbSNP rs781357804, ClinGen allele CA8602747.
Genomic context (GRCh38, chr17:44,376,365, plus strand): 5'-CACCCTCGCAGCTCCACTTGGGCCTCTGCCCGGACCGGCACGTCCAGCAGCACAATCTTG[CT>C]GTTTGGATTCTGGCTGTTCTTGCTAGAGGGGAGGGGATGAGGAGAAACAGGGCCAGGGAC-3'